The following is an entry in ClinVar:

ClinVar aggregate classification (germline): Uncertain significance. Review status: criteria provided, single submitter (1 of 4 stars). 2 submissions from 2 submitters: Uncertain significance (1). 1 of the submissions does not count toward it. Last evaluated 2025-10-29.

Conditions:
NRP2-related disorder. Also called: NRP2-related condition.

gnomAD v4.1: 21 of 1,614,154 alleles (0.0013%); highest among the groups gnomAD compares: Non-Finnish European, 0.0018%; no homozygotes.

Submissions (2):

Ambry Genetics
Classification: Uncertain significance. Last evaluated: 2025-10-29. Review status: criteria provided, single submitter. Criteria: Ambry Variant Classification Scheme 2023. Collection method: clinical testing. Allele origin: germline.

PreventionGenetics, part of Exact Sciences
Classification: Uncertain significance for NRP2-related condition. Last evaluated: 2024-07-08. Review status: no assertion criteria provided. Collection method: clinical testing. Allele origin: germline. Not counted in ClinVar's aggregate classification.
Comment: The NRP2 c.1382G>C variant is predicted to result in the amino acid substitution p.Ser461Thr. To our knowledge, this variant has not been reported in the literature or in a large population database, indicating this variant is rare. At this time, the clinical significance of this variant is uncertain due to the absence of conclusive functional and genetic evidence.

NM_003872.3(NRP2):c.1382G>C (p.Ser461Thr)

Gene: NRP2 (neuropilin 2; plus strand). Cytogenetic location: 2q33.3.
Variant type: single nucleotide variant.
Coding change: c.1382G>C on transcript NM_003872.3 (MANE Select); coding-DNA position 1382, G replaced by C.
Protein change: p.Ser461Thr; replaces serine 461 with threonine.
Molecular consequence: missense variant.
Genome position (GRCh38, 1-based): chr2:205,743,293, G>C. VCF-style: chr2-205743293-G-C. GRCh37 (hg19) VCF-style: chr2-206608017-G-C.
Other names: c.1382G>C, p.Ser461Thr (NM_018534.4, NM_201264.2, NM_201266.2 and 2 more transcripts); short protein forms S461T.
Identifiers: ClinVar variation 3357472 (VCV003357472.2).
Genomic context (GRCh38, chr2:205,743,293, plus strand): 5'-TCTCAGGCCTCATTGCAGACTCCCAGATCTCCGCCTCTTCCACCCAGGAATACCTCTGGA[G>C]CCCCAGTGCAGCCCGCCTGGTTAGCAGCCGCTCGGGCTGGTTCCCTCGAATCCCTCAGGC-3'
Protein context (NP_003863.2, residues 451-471): SASSTQEYLW[Ser461Thr]PSAARLVSSR